The following is an entry in ClinVar:

ClinVar aggregate classification (germline): Uncertain significance (1 of 4 stars; one submission).

Conditions:
HUWE1-related disorder. Also called: HUWE1-related condition.

Allele frequency attached by ClinVar (database versions not stated): TOPMed below 0.00001.

Submissions (2):

PreventionGenetics, part of Exact Sciences
Classification: Uncertain significance for HUWE1-related condition. Last evaluated: 2022-11-14. Review status: criteria provided, single submitter. Criteria: ACMG Guidelines, 2015. Collection method: clinical testing. Allele origin: germline.
Comment: The HUWE1 c.11354C>T variant is predicted to result in the amino acid substitution p.Ala3785Val. To our knowledge, this variant has not been reported in the literature or in a large population database, indicating this variant is rare. At this time, the clinical significance of this variant is uncertain due to the absence of conclusive functional and genetic evidence.

Dr. Peter K. Rogan Lab, Western University
No classification provided (evidence only). Condition: Squamous cell lung carcinoma. Review status: no classification provided. Collection method: in vitro. Allele origin: not applicable. Functional consequence: retained intron. Not counted in ClinVar's aggregate classification.

NM_031407.7(HUWE1):c.11354C>T (p.Ala3785Val)

Gene: HUWE1 (HECT, UBA and WWE domain containing E3 ubiquitin protein ligase 1; minus strand). Cytogenetic location: Xp11.22.
Variant type: single nucleotide variant.
Coding change: c.11354C>T on transcript NM_031407.7 (MANE Select); coding-DNA position 11354, C replaced by T.
Protein change: p.Ala3785Val; replaces alanine 3785 with valine.
Molecular consequence: missense variant.
Genome position (GRCh38, 1-based): chrX:53,543,866, G>A on the plus strand (C>T on the coding strand, the complement: HUWE1 is on the minus strand). VCF-style: chrX-53543866-G-A. GRCh37 (hg19) VCF-style: chrX-53570827-G-A.
Other names: NC_000023.10:g.53570827G>A; short protein forms A3785V.
Identifiers: ClinVar variation 2629355 (VCV002629355.2), dbSNP rs2061448581, ClinGen allele CA413164042.